The following is an entry in ClinVar:

ClinVar aggregate classification (germline): Uncertain significance. Review status: criteria provided, multiple submitters, no conflicts (2 of 4 stars). 8 submissions from 8 submitters: Uncertain significance (6). 2 of the submissions do not count toward it. Last evaluated 2026-02-16.

Conditions:
Inborn genetic diseases. Identifiers: MedGen C0950123, MeSH D030342.
PKD1-related disorder. Also called: PKD1-related condition.
Abnormality of the kidney. Also called: Congenital anomaly of the kidney; Congenital abnormalities of the kidney. Identifiers: MedGen C0266292, HP:0000077.
Multicystic kidney dysplasia. Also called: Multicystic dysplastic kidney. Identifiers: Orphanet 1851, MedGen C3714581, MONDO:0015988, HP:0000003.
Polycystic kidney disease. Also called: Polycystic kidney dysplasia; Kidney, Polycystic. Identifiers: MedGen C0022680, MeSH D007690, MONDO:0020642, HP:0000113.

Submissions (8):

Women's Health and Genetics/Laboratory Corporation of America, LabCorp
Classification: Uncertain significance. Last evaluated: 2026-02-16. Review status: criteria provided, single submitter. Criteria: LabCorp Variant Classification Summary - May 2015. Collection method: clinical testing. Allele origin: germline.
Comment: Variant summary: PKD1 c.3785A>G (p.His1262Arg) results in a non-conservative amino acid change located in the polycystin cation channel domain (IPR006228) positioned within the 7th PKD repeat domain (IPR000601; UniProt) of the encoded protein sequence. Algorithms developed to predict the effect of missense changes on protein structure and function all suggest that this variant is likely to be disruptive. The variant was absent in 242174 control chromosomes. The available data on variant occurrences in the general population are insufficient to allow any conclusion about variant significance. To our knowledge, no occurrence of c.3785A>G in individuals affected with PKD1-related conditions and no experimental evidence demonstrating its impact on protein function have been reported. ClinVar contains an entry for this variant (Variation ID: 374206). Based on the evidence outlined above, the variant was classified as uncertain significance.

GeneDx
Classification: Uncertain significance. Last evaluated: 2024-05-14. Review status: criteria provided, single submitter. Criteria: GeneDx Variant Classification Process June 2021. Collection method: clinical testing. Allele origin: germline. Affected: yes.
Comment: Not observed at significant frequency in large population cohorts (gnomAD); In silico analysis supports that this missense variant has a deleterious effect on protein structure/function; Has not been previously published as pathogenic or benign to our knowledge

Mayo Clinic Laboratories, Mayo Clinic
Classification: Uncertain significance. Last evaluated: 2022-11-09. Review status: criteria provided, single submitter. Criteria: ACMG Guidelines, 2015. Collection method: clinical testing. Allele origin: germline. Observed: 2 variant alleles.
Comment: PM2_supporting

Ambry Genetics
Classification: Uncertain significance for Inborn genetic diseases. Last evaluated: 2021-12-27. Review status: criteria provided, single submitter. Criteria: Ambry Variant Classification Scheme 2023. Collection method: clinical testing. Allele origin: germline.
Comment: The c.3785A>G (p.H1262R) alteration is located in exon 15 (coding exon 15) of the PKD1 gene. This alteration results from an A to G substitution at nucleotide position 3785, causing the histidine (H) at amino acid position 1262 to be replaced by an arginine (R). This variant was not reported in population-based cohorts in the Genome Aggregation Database (gnomAD). This amino acid position is well conserved in available vertebrate species. This alteration is predicted to be tolerated by in silico analysis. Based on insufficient or conflicting evidence, the clinical significance of this alteration remains unclear.

Athena Diagnostics
Classification: Uncertain significance. Last evaluated: 2016-11-16. Review status: criteria provided, single submitter. Criteria: Athena Diagnostics Criteria. Collection method: clinical testing. Allele origin: germline.

Department of Pathology and Laboratory Medicine, Sinai Health System
Classification: Uncertain significance. Last evaluated: 2016-05-26. Review status: criteria provided, single submitter. Criteria: ACMG Guidelines, 2015. Collection method: clinical testing. Allele origin: germline. Affected: yes. Study: The Canadian Open Genetics Repository (COGR).

PreventionGenetics, part of Exact Sciences
Classification: Uncertain significance for PKD1-related condition. Last evaluated: 2024-08-30. Review status: no assertion criteria provided. Collection method: clinical testing. Allele origin: germline. Not counted in ClinVar's aggregate classification.
Comment: The PKD1 c.3785A>G variant is predicted to result in the amino acid substitution p.His1262Arg. To our knowledge, this variant has not been reported in the literature or in a large population database, indicating this variant is rare. At this time, the clinical significance of this variant is uncertain due to the absence of conclusive functional and genetic evidence.

Centre for Mendelian Genomics, University Medical Centre Ljubljana
Classification: Likely pathogenic for Abnormality of the kidney; Multicystic kidney dysplasia; Polycystic kidney disease. Last evaluated: 2013-11-28. Review status: flagged submission. Criteria: ACMG Guidelines, 2015. Collection method: clinical testing. Allele origin: unknown. Affected: yes. Not counted in ClinVar's aggregate classification.
ClinVar note: Reason: Outlier claim with insufficient supporting evidence

NM_001009944.3(PKD1):c.3785A>G (p.His1262Arg)

Gene: PKD1 (polycystin 1, transient receptor potential channel interacting; minus strand). Cytogenetic location: 16p13.3.
Variant type: single nucleotide variant.
Coding change: c.3785A>G on transcript NM_001009944.3 (MANE Select); coding-DNA position 3785, A replaced by G.
Protein change: p.His1262Arg; replaces histidine 1262 with arginine.
Molecular consequence: missense variant.
Genome position (GRCh38, 1-based): chr16:2,111,382, T>C on the plus strand (A>G on the coding strand, the complement: PKD1 is on the minus strand). VCF-style: chr16-2111382-T-C. GRCh37 (hg19) VCF-style: chr16-2161383-T-C.
Other names: c.3785A>G, p.His1262Arg (NM_000296.4); short protein forms H1262R.
Identifiers: ClinVar variation 374206 (VCV000374206.11), dbSNP rs1057518976, ClinGen allele CA16043508.